The following is an entry in ClinVar:

ClinVar aggregate classification (germline): Conflicting classifications of pathogenicity. Review status: criteria provided, conflicting classifications (1 of 4 stars). 4 submissions from 4 submitters: Uncertain significance (1); Likely benign (2). 1 of the submissions does not count toward it. Last evaluated 2025-03-29.

Conditions:
Rubinstein-Taybi syndrome due to EP300 haploinsufficiency. Also called: EP300-Related Rubinstein-Taybi Syndrome; RUBINSTEIN-TAYBI SYNDROME 2. Identifiers: Orphanet 353284, Orphanet 783, MedGen C3150941, MONDO:0013364, OMIM 613684.
EP300-related disorder. Also called: EP300-related condition; EP300-related disorders.

Allele frequency attached by ClinVar (database versions not stated): ExAC 0.00001; gnomAD exomes 0.00001; gnomAD 0.00003 and 0.00004; TOPMed 0.00004; ESP Exome Variant Server 0.00015.
gnomAD v4.1: 28 of 1,613,892 alleles (0.0017%); highest among the groups gnomAD compares: Non-Finnish European, 0.0021%; no homozygotes.

Submissions (4):

Labcorp Genetics (formerly Invitae), Labcorp
Classification: Likely benign for Rubinstein-Taybi syndrome due to EP300 haploinsufficiency. Last evaluated: 2025-03-29. Review status: criteria provided, single submitter. Criteria: Invitae Variant Classification Sherloc (09022015). Collection method: clinical testing. Allele origin: germline.

Blueprint Genetics
Classification: Likely benign. Last evaluated: 2024-08-08. Review status: criteria provided, single submitter. Criteria: ACMG Guidelines, 2015. Collection method: clinical testing. Allele origin: germline.

Eurofins Ntd Llc (ga)
Classification: Uncertain significance. Last evaluated: 2016-07-13. Review status: criteria provided, single submitter. Criteria: EGL Classification Definitions 2015. Collection method: clinical testing. Allele origin: germline. Observed: 1 variant allele, 1 heterozygote.

PreventionGenetics, part of Exact Sciences
Classification: Likely benign for EP300-related condition. Last evaluated: 2021-07-27. Review status: no assertion criteria provided. Collection method: clinical testing. Allele origin: germline. Not counted in ClinVar's aggregate classification.
Comment: This variant is classified as likely benign based on ACMG/AMP sequence variant interpretation guidelines (Richards et al. 2015 PMID: 25741868, with internal and published modifications).

NM_001429.4(EP300):c.4347T>C (p.His1449=)

Gene: EP300 (EP300 lysine acetyltransferase; plus strand). Cytogenetic location: 22q13.2.
Variant type: single nucleotide variant.
Coding change: c.4347T>C on transcript NM_001429.4 (MANE Select); coding-DNA position 4347, T replaced by C.
Protein change: p.His1449=; no amino-acid change (histidine 1449 retained).
Molecular consequence: synonymous variant.
Genome position (GRCh38, 1-based): chr22:41,170,466, T>C. VCF-style: chr22-41170466-T-C. GRCh37 (hg19) VCF-style: chr22-41566470-T-C.
Other names: c.4347T>C (NM_001429.3); c.4269T>C, p.His1423= (NM_001362843.2).
Identifiers: ClinVar variation 289280 (VCV000289280.10), dbSNP rs137986257, ClinGen allele CA10253417.
Genomic context (GRCh38, chr22:41,170,466, plus strand): 5'-TTACACAACAGGGCATATTTGGGCATGTCCACCAAGTGAGGGAGATGATTATATCTTCCA[T>C]TGCCATCCTCCTGACCAGAAGATACCCAAGCCCAAGCGACTGCAGGAATGGTACAAAAAA-3'
Protein context (NP_001420.2, residues 1439-1459): PPSEGDDYIF[His1449=]CHPPDQKIPK